The following is an entry in ClinVar:

ClinVar aggregate classification (germline): Benign. Review status: criteria provided, multiple submitters, no conflicts (2 of 4 stars). 2 submissions from 2 submitters: Benign (2). Last evaluated 2018-06-14.

Allele frequency attached by ClinVar (database versions not stated): TOPMed 0.90363; gnomAD 0.90550 and 0.90725; 1000 Genomes Project 0.91633; 1000 Genomes Project 30x 0.91661; gnomAD exomes 0.91766.
gnomAD v4.1: 898,235 of 980,696 alleles (92%); highest among the groups gnomAD compares: South Asian, 94%; 411,626 homozygotes.

Submissions (2):

GeneDx
Classification: Benign. Last evaluated: 2018-06-14. Review status: criteria provided, single submitter. Criteria: GeneDx Variant Classification (06012015). Collection method: clinical testing. Allele origin: germline. Affected: yes.
Comment: This variant is considered likely benign or benign based on one or more of the following criteria: it is a conservative change, it occurs at a poorly conserved position in the protein, it is predicted to be benign by multiple in silico algorithms, and/or has population frequency not consistent with disease.

Breakthrough Genomics
Classification: Benign. Review status: criteria provided, single submitter. Criteria: ACMG Guidelines, 2015. Collection method: not provided. Allele origin: germline. Inheritance: Autosomal dominant inheritance. Affected: yes.

NM_001103.4(ACTN2):c.1516-138G>A

Gene: ACTN2 (actinin alpha 2; plus strand). Cytogenetic location: 1q43.
Variant type: single nucleotide variant.
Coding change: c.1516-138G>A on transcript NM_001103.4 (MANE Select); 138 bases into the intron before coding-DNA position 1516, G replaced by A.
Molecular consequence: intron variant.
Genome position (GRCh38, 1-based): chr1:236,748,986, G>A. VCF-style: chr1-236748986-G-A. GRCh37 (hg19) VCF-style: chr1-236912286-G-A.
Other names: c.892-138G>A (NM_001278344.2); c.1516-138G>A (NM_001278343.2).
Identifiers: ClinVar variation 672008 (VCV000672008.2), dbSNP rs2297956, ClinGen allele CA10976513.